The following is an entry in ClinVar:

NM_000083.3(CLCN1):c.696+5G>A

Gene: CLCN1 (chloride voltage-gated channel 1; plus strand). Cytogenetic location: 7q34.
Variant type: single nucleotide variant.
Coding change: c.696+5G>A on transcript NM_000083.3 (MANE Select); 5 bases into the intron after coding-DNA position 696, G replaced by A.
Molecular consequence: intron variant.
Genome position (GRCh38, 1-based): chr7:143,321,853, G>A. VCF-style: chr7-143321853-G-A. GRCh37 (hg19) VCF-style: chr7-143018946-G-A.
Identifiers: ClinVar variation 951624 (VCV000951624.6), dbSNP rs865899737, ClinGen allele CA168256470.

ClinVar aggregate classification (germline): Uncertain significance (1 of 4 stars; one submission).

Conditions:
Congenital myotonia, autosomal dominant form (THD). Also called: THOMSEN DISEASE; Myotonia congenita autosomal dominant. Identifiers: Orphanet 614, MedGen C2936781, MONDO:0008055, OMIM 160800.
Congenital myotonia, autosomal recessive form. Also called: BECKER DISEASE; Becker Generalized Myotonia; myotonia congenita, autosomal recessive. Identifiers: Orphanet 614, MedGen C0751360, MONDO:0009715, OMIM 255700.

Allele frequency attached by ClinVar (database versions not stated): 1000 Genomes Project 30x 0.00031; gnomAD exomes below 0.00001; gnomAD 0.00001; TOPMed 0.00002.
gnomAD v4.1: 5 of 1,613,916 alleles (0.00031%); highest among the groups gnomAD compares: Non-Finnish European, 0.00042%; no homozygotes.

Submission:

Labcorp Genetics (formerly Invitae), Labcorp
Classification: Uncertain significance for Congenital myotonia, autosomal recessive form; Congenital myotonia, autosomal dominant form. Last evaluated: 2025-10-29. Review status: criteria provided, single submitter. Criteria: Invitae Variant Classification Sherloc (09022015). Collection method: clinical testing. Allele origin: germline.
Comment: This sequence change falls in intron 5 of the CLCN1 gene. It does not directly change the encoded amino acid sequence of the CLCN1 protein. It affects a nucleotide within the consensus splice site. This variant is present in population databases (no rsID available, gnomAD 0.0009%). This variant has not been reported in the literature in individuals affected with CLCN1-related conditions. ClinVar contains an entry for this variant (Variation ID: 951624). Variants that disrupt the consensus splice site are a relatively common cause of aberrant splicing (PMID: 17576681, 9536098). Algorithms developed to predict the effect of sequence changes on RNA splicing suggest that this variant is not likely to affect RNA splicing. In summary, the available evidence is currently insufficient to determine the role of this variant in disease. Therefore, it has been classified as a Variant of Uncertain Significance.

Literature cited by the submitters: PubMed 17576681; PubMed 9536098.